The following is an entry in ClinVar:

ClinVar aggregate classification (germline): Uncertain significance (1 of 4 stars; one submission).

Submission:

Labcorp Genetics (formerly Invitae), Labcorp
Classification: Uncertain significance. Last evaluated: 2023-02-09. Review status: criteria provided, single submitter. Criteria: Invitae Variant Classification Sherloc (09022015). Collection method: clinical testing. Allele origin: germline.
Comment: This sequence change replaces aspartic acid, which is acidic and polar, with histidine, which is basic and polar, at codon 89 of the SUCO protein (p.Asp89His). This variant is not present in population databases (gnomAD no frequency). This variant has not been reported in the literature in individuals affected with SUCO-related conditions. Algorithms developed to predict the effect of missense changes on protein structure and function are either unavailable or do not agree on the potential impact of this missense change (SIFT: "Deleterious"; PolyPhen-2: "Possibly Damaging"; Align-GVGD: "Class C0"). In summary, the available evidence is currently insufficient to determine the role of this variant in disease. Therefore, it has been classified as a Variant of Uncertain Significance.

NM_014283.5(SUCO):c.265G>C (p.Asp89His)

Gene: SUCO (SUN domain containing ossification factor; plus strand). Cytogenetic location: 1q24.3.
Variant type: single nucleotide variant.
Coding change: c.265G>C on transcript NM_014283.5 (MANE Select); coding-DNA position 265, G replaced by C.
Protein change: p.Asp89His; replaces aspartic acid 89 with histidine.
Molecular consequence: missense variant. On other transcripts: 5 prime UTR variant (1), intron variant (2).
Genome position (GRCh38, 1-based): chr1:172,553,347, G>C. VCF-style: chr1-172553347-G-C. GRCh37 (hg19) VCF-style: chr1-172522487-G-C.
Other names: c.-1265G>C (NM_001282751.2); c.762+1721G>C (NM_016227.4); c.177+1721G>C (NM_001282750.2); short protein forms D89H.
Identifiers: ClinVar variation 2876395 (VCV002876395.3), dbSNP rs2527259845, ClinGen allele CA343736425.